The following is an entry in ClinVar:

NC_000002.12:g.233760235TA[10]

Genes: UGT1A (UDP glucuronosyltransferase family 1 member A complex locus; plus strand), UGT1A1 (UDP glucuronosyltransferase family 1 member A1; plus strand), UGT1A10 (UDP glucuronosyltransferase family 1 member A10; plus strand), UGT1A3 (UDP glucuronosyltransferase family 1 member A3; plus strand), UGT1A4 (UDP glucuronosyltransferase family 1 member A4; plus strand) and 5 more. Cytogenetic location: 2q37.1.
Variant type: Microsatellite.
Molecular consequence: intron variant (on NM_019076.5).
Genome position: GRCh38 VCF-style: chr2-233760233-C-CATATAT. GRCh37 (hg19) VCF-style: chr2-234668879-C-CATATAT.
Other names: c.856-6800AT[10] (NM_019076.5, NM_019075.4, NM_021027.3 and 1 more transcripts); c.61-6800AT[10] (NM_205862.3); c.862-6800AT[10] (NM_001072.4); c.868-6800AT[10] (NM_019078.2, NM_007120.3, NM_019093.4).
Identifiers: ClinVar variation 1923012 (VCV001923012.5), dbSNP rs3064744, ClinGen allele CA540311574.

ClinVar aggregate classification (germline): Uncertain significance (1 of 4 stars; one submission).

Submission:

Labcorp Genetics (formerly Invitae), Labcorp
Classification: Uncertain significance. Last evaluated: 2025-07-08. Review status: criteria provided, single submitter. Criteria: Invitae Variant Classification Sherloc (09022015). Collection method: clinical testing. Allele origin: germline.
Comment: This variant is located in the TATA box of the UGT1A1 promoter region. Variants altering TATA repeat length from its usual length of 6 TA repeats (aka (TA)6 or UGT1A1*1) are associated with Gilbert syndrome, a mild and often asymptomatic hyperbilirubinemia. This variant is present in population databases (no rsID available, gnomAD 0.02%). This variant has not been reported in the literature in individuals affected with UGT1A1-related conditions. Algorithms developed to predict the effect of variants on gene product structure and function are not available or were not evaluated for this variant. Experimental studies have shown that this variant decreases UGT1A1 promoter activity (PMID: 9653159) In summary, the available evidence is currently insufficient to determine the role of this variant in disease. Therefore, it has been classified as a Variant of Uncertain Significance.

Literature cited by the submitters: PubMed 9653159.